The following is an entry in ClinVar:

ClinVar aggregate classification (germline): Uncertain significance. Review status: criteria provided, multiple submitters, no conflicts (2 of 4 stars). 2 submissions from 2 submitters: Uncertain significance (2). Last evaluated 2024-03-28.

Conditions:
DK1-congenital disorder of glycosylation. Also called: CDG Im; DK1 DEFICIENCY; DOLICHOL KINASE DEFICIENCY; CONGENITAL DISORDER OF GLYCOSYLATION, TYPE Im; DK1-CDG; DOLK-congenital disorder of glycosylation. Identifiers: Orphanet 91131, MedGen C1835849, MONDO:0012556, OMIM 610768.

Allele frequency attached by ClinVar (database versions not stated): TOPMed 0.00001.
gnomAD v4.1: 3 of 1,614,064 alleles (0.00019%); highest among the groups gnomAD compares: Non-Finnish European, 0.00025%; no homozygotes.

Submissions (2):

Blueprint Genetics
Classification: Uncertain significance. Last evaluated: 2024-03-28. Review status: criteria provided, single submitter. Criteria: ACMG Guidelines, 2015. Collection method: clinical testing. Allele origin: germline.

Labcorp Genetics (formerly Invitae), Labcorp
Classification: Uncertain significance for DK1-congenital disorder of glycosylation. Last evaluated: 2022-02-17. Review status: criteria provided, single submitter. Criteria: Invitae Variant Classification Sherloc (09022015). Collection method: clinical testing. Allele origin: germline.
Comment: In summary, the available evidence is currently insufficient to determine the role of this variant in disease. Therefore, it has been classified as a Variant of Uncertain Significance. This variant has not been reported in the literature in individuals affected with DOLK-related conditions. This variant is not present in population databases (gnomAD no frequency). This sequence change disrupts the translational stop signal of the DOLK mRNA. It is expected to extend the length of the DOLK protein by 28 additional amino acid residues.

NM_014908.4(DOLK):c.1616A>G (p.Ter539Trp)

Gene: DOLK (dolichol kinase; minus strand). Cytogenetic location: 9q34.11.
Variant type: single nucleotide variant.
Coding change: c.1616A>G on transcript NM_014908.4 (MANE Select); coding-DNA position 1616, A replaced by G.
Protein change: p.Ter539Trp.
Molecular consequence: stop lost.
Genome position (GRCh38, 1-based): chr9:128,945,688, T>C on the plus strand (A>G on the coding strand, the complement: DOLK is on the minus strand). VCF-style: chr9-128945688-T-C. GRCh37 (hg19) VCF-style: chr9-131707967-T-C.
Identifiers: ClinVar variation 2193502 (VCV002193502.4), dbSNP rs1841648177, ClinGen allele CA375115075.